The following is an entry in ClinVar:

ClinVar aggregate classification (germline): Likely benign. Review status: criteria provided, multiple submitters, no conflicts (2 of 4 stars). 4 submissions from 4 submitters: Likely benign (4). Last evaluated 2025-09-03.

Conditions:
Cardiovascular phenotype. Identifiers: MedGen CN230736.
Arrhythmogenic right ventricular dysplasia 5. Also called: ARRHYTHMOGENIC RIGHT VENTRICULAR DYSPLASIA, FAMILIAL, 5; Arrhythmogenic Right Ventricular Dysplasia/Cardiomyopathy 5. Identifiers: MedGen C1858379, MONDO:0011459, OMIM 604400.
Cardiomyopathy (CMYO). Also called: Cardiomyopathies. Identifiers: Orphanet 167848, MedGen C0878544, MONDO:0004994, HP:0001638. Inheritance: Various modes of inheritance.

Allele frequency attached by ClinVar (database versions not stated): TOPMed 0.00002; ESP Exome Variant Server 0.00008.

Submissions (4):

Labcorp Genetics (formerly Invitae), Labcorp
Classification: Likely benign for Arrhythmogenic right ventricular dysplasia 5. Last evaluated: 2025-09-03. Review status: criteria provided, single submitter. Criteria: Invitae Variant Classification Sherloc (09022015). Collection method: clinical testing. Allele origin: germline.

All of Us Research Program, National Institutes of Health
Classification: Likely benign for Arrhythmogenic right ventricular dysplasia 5. Last evaluated: 2024-06-09. Review status: criteria provided, single submitter. Criteria: ACMG Guidelines, 2015. Collection method: clinical testing. Allele origin: germline. Inheritance: Autosomal dominant inheritance. Observed: 1 variant allele, 1 heterozygote.
Comment: This study involves interpretation of variants in research participants for the purpose of population health screening. Participant phenotype was not available at the time of variant classification. Additional details can be found in publication PMID: 35346344, PMCID: PMC8962531

Ambry Genetics
Classification: Likely benign for Cardiovascular phenotype. Last evaluated: 2023-06-12. Review status: criteria provided, single submitter. Criteria: Ambry Variant Classification Scheme 2023. Collection method: clinical testing. Allele origin: germline.

Color Diagnostics, LLC DBA Color Health
Classification: Likely benign for Cardiomyopathy. Last evaluated: 2018-12-10. Review status: criteria provided, single submitter. Criteria: ACMG Guidelines, 2015. Collection method: clinical testing. Allele origin: germline.

NM_024334.3(TMEM43):c.99G>C (p.Ser33=)

Gene: TMEM43 (transmembrane protein 43; plus strand). Cytogenetic location: 3p25.1.
Variant type: single nucleotide variant.
Coding change: c.99G>C on transcript NM_024334.3 (MANE Select); coding-DNA position 99, G replaced by C.
Protein change: p.Ser33=; no amino-acid change (serine 33 retained).
Molecular consequence: synonymous variant.
Genome position (GRCh38, 1-based): chr3:14,129,498, G>C. VCF-style: chr3-14129498-G-C. GRCh37 (hg19) VCF-style: chr3-14170998-G-C.
Identifiers: ClinVar variation 919942 (VCV000919942.12), dbSNP rs147710692, ClinGen allele CA69728583.